The following is an entry in ClinVar:

NM_018706.7(DHTKD1):c.1267G>A (p.Val423Met)

Gene: DHTKD1 (dehydrogenase E1 and transketolase domain containing 1; plus strand). Cytogenetic location: 10p14.
Variant type: single nucleotide variant.
Coding change: c.1267G>A on transcript NM_018706.7 (MANE Select); coding-DNA position 1267, G replaced by A.
Protein change: p.Val423Met; replaces valine 423 with methionine.
Molecular consequence: missense variant.
Genome position (GRCh38, 1-based): chr10:12,094,180, G>A. VCF-style: chr10-12094180-G-A. GRCh37 (hg19) VCF-style: chr10-12136179-G-A.
Other names: c.1267G>A (NM_018706.5); short protein forms V423M.
Identifiers: ClinVar variation 1502268 (VCV001502268.11), dbSNP rs761350668, ClinGen allele CA5407799.

ClinVar aggregate classification (germline): Uncertain significance. Review status: criteria provided, multiple submitters, no conflicts (2 of 4 stars). 2 submissions from 2 submitters: Uncertain significance (2). Last evaluated 2025-04-01.

Conditions:
Inborn genetic diseases. Identifiers: MedGen C0950123, MeSH D030342.
2-aminoadipic 2-oxoadipic aciduria (AAKAD). Also called: Aminoadipic aciduria; ALPHA-AMINOADIPIC AND ALPHA-KETOADIPIC ACIDURIA. Identifiers: Orphanet 79154, MedGen C1859817, MONDO:0008774, OMIM 204750.

Allele frequency attached by ClinVar (database versions not stated): ExAC 0.00001.
gnomAD v4.1: 31 of 1,614,092 alleles (0.0019%); highest among the groups gnomAD compares: African/African-American, 0.0027%; no homozygotes.

Submissions (2):

Ambry Genetics
Classification: Uncertain significance for Inborn genetic diseases. Last evaluated: 2025-04-01. Review status: criteria provided, single submitter. Criteria: Ambry Variant Classification Scheme 2023. Collection method: clinical testing. Allele origin: germline.

Labcorp Genetics (formerly Invitae), Labcorp
Classification: Uncertain significance for 2-aminoadipic 2-oxoadipic aciduria. Last evaluated: 2024-10-19. Review status: criteria provided, single submitter. Criteria: Invitae Variant Classification Sherloc (09022015). Collection method: clinical testing. Allele origin: germline.
Comment: This sequence change replaces valine, which is neutral and non-polar, with methionine, which is neutral and non-polar, at codon 423 of the DHTKD1 protein (p.Val423Met). This variant is present in population databases (rs761350668, gnomAD 0.01%). This missense change has been observed in individual(s) with clinical features of Charcot-Marie-Tooth disease (internal data). ClinVar contains an entry for this variant (Variation ID: 1502268). Invitae Evidence Modeling of protein sequence and biophysical properties (such as structural, functional, and spatial information, amino acid conservation, physicochemical variation, residue mobility, and thermodynamic stability) indicates that this missense variant is expected to disrupt DHTKD1 protein function with a positive predictive value of 80%. In summary, the available evidence is currently insufficient to determine the role of this variant in disease. Therefore, it has been classified as a Variant of Uncertain Significance.